The following continues an entry in ClinVar:

NM_007294.4(BRCA1):c.131G>T (p.Cys44Phe)

Gene: BRCA1. ClinVar aggregate classification (germline): Pathogenic. Pathogenic (1).

Submissions 7 to 18 of 28:

Ambry Genetics
Classification: Pathogenic for Hereditary cancer-predisposing syndrome. Last evaluated: 2025-01-21. Review status: criteria provided, single submitter. Criteria: Ambry Variant Classification Scheme 2023. Collection method: clinical testing. Allele origin: germline. Not counted in ClinVar's aggregate classification.
Comment: The p.C44F pathogenic mutation (also known as c.131G>T), located in coding exon 2 of the BRCA1 gene, results from a G to T substitution at nucleotide position 131. The cysteine at codon 44 is replaced by phenylalanine, an amino acid with highly dissimilar properties. This mutation occurs in the functionally important RING finger domain (Abkevich V et al. J. Med. Genet. 2004 Jul;41:492-507). Based on internal structural assessment, this alteration is predicted to disrupt formation of zinc binding site 1 and overall folding of the BRCA1 protein. This is consistent with Brzovic PS et al (2010), who showed that experimentally altering ligands at this residue yields BRCA1 RING domains that fail to fold properly (Brzovic PS et al. Nat. Struct. Biol. 2001 Oct;8:833-7). Multiple functional studies have shown that this alteration is deleterious including a centrosome amplification assay, a homology directed repair assay, a single stranded annealing assay and a high throughput cell survival assay (Kais Z et al. Oncogene. 2012 Feb;31:799-804; Ransburgh DJ et al. Cancer Res. 2010 Feb;70:988-95; Towler WI et al. Hum. Mutat. 2013 Mar;34:439-45; Findlay GM et al. Nature, 2018 Sep;). This mutation has been identified in multiple breast and/or ovarian cancer families in the literature (Alsop K et al. J. Clin. Oncol. 2012 Jul;30:2654-63; Jalkh N et al. Hered Cancer Clin Pract. 2012 Jun;10:7; George J et al. Clin. Cancer. Res. 2013 Jul;19:3474-84; Lolas Hamameh S et al. Int. J. Cancer. 2017 Aug;141:750-756). In addition, two other alterations at the same codon, p.C44Y and p.C44S, have been classified as definitely pathogenic (p>0.99) by multifactorial analysis, which integrates the following lines of evidence to produce a quantitative likelihood of pathogenicity: in silico prediction models, segregation with disease, tumor characteristics, and mutation co-occurrence (Easton DF et al. Am. J. Hum. Genet. 2007 Nov;81:873-83; Lindor NM et al. Hum. Mutat. 2012 Jan;33:8-21; Vallee MP et al. Hum. Mutat. 2012 Jan;33:22-8). This amino acid position is highly conserved in available vertebrate species. In addition, this alteration is predicted to be deleterious by in silico analysis. Based on the available evidence, this alteration is classified as a pathogenic mutation.

All of Us Research Program, National Institutes of Health
Classification: Pathogenic for Breast-ovarian cancer, familial, susceptibility to, 1. Last evaluated: 2024-01-08. Review status: criteria provided, single submitter. Criteria: ACMG Guidelines, 2015. Collection method: clinical testing. Allele origin: germline. Inheritance: Autosomal dominant inheritance. Observed: 4 variant alleles, 4 heterozygotes. Not counted in ClinVar's aggregate classification.
Comment: This missense variant replaces cysteine with phenylalanine at codon 44 of the BRCA1 protein. Computational prediction suggests that this variant may have deleterious impact on protein structure and function (internally defined REVEL score threshold >= 0.7, PMID: 27666373). Functional studies have reported that this variant impacts BRCA1 function in homology-directed repair, ubiquitin E3 ligase, BARD1 binding, haploid cell proliferation and protein folding assays (PMID: 11573085, 20103620, 23161852, 25823446, 30209399; DOI:10.1158/2767-9764.CRC-21-0064). This variant has been reported in at least six individuals affected with breast and ovarian cancer (PMID: 16912212, 18159056, 22711857, 22713736, 28486781) and multiple suspected hereditary breast and ovarian cancer families (PMID: 12048272, 16267036, 19241424). This variant is also reported to have segregation and tumor pathology likelihood ratios for pathogenicity of 156.1745 and 41.2405, respectively (PMID: 31131967). This variant has not been identified in the general population by the Genome Aggregation Database (gnomAD). Based on the available evidence, this variant is classified as Pathogenic.

This study involves interpretation of variants in research participants for the purpose of population health screening. Participant phenotype was not available at the time of variant classification. Additional details can be found in publication PMID: 35346344, PMCID: PMC8962531

Revvity Omics, Revvity
Classification: Pathogenic. Last evaluated: 2022-12-14. Review status: criteria provided, single submitter. Criteria: ACMG Guidelines, 2015. Collection method: clinical testing. Allele origin: germline. Not counted in ClinVar's aggregate classification.

Clinical Genetics Laboratory, Skane University Hospital Lund
Classification: Pathogenic. Last evaluated: 2022-10-17. Review status: criteria provided, single submitter. Criteria: ACMG Guidelines, 2015. Collection method: clinical testing. Allele origin: germline. Affected: yes. Not counted in ClinVar's aggregate classification.

GeneDx
Classification: Pathogenic. Last evaluated: 2022-06-06. Review status: criteria provided, single submitter. Criteria: GeneDx Variant Classification Process June 2021. Collection method: clinical testing. Allele origin: germline. Affected: yes. Not counted in ClinVar's aggregate classification.
Comment: Published functional studies demonstrate a damaging effect: disrupted homology-directed repair and BARD1 binding, and loss of E3 ubiquitin ligase activity and centrosome amplification (Morris 2006, Ransburgh 2010, Kais 2012, Starita 2015, Findlay 2018); Observed in individuals with a personal or family history consistent with pathogenic variants in this gene (John 2007, Hall 2009, Jalkh 2012, Lolas Hamameh 2017); In silico analysis supports that this missense variant has a deleterious effect on protein structure/function; Truncating variants in this gene are considered pathogenic by a well-established clinical consortium and/or database; Not observed at significant frequency in large population cohorts (gnomAD); Multifactorial likelihood analysis suggests this variant is pathogenic (Parsons 2019); Also known as 250G>T; This variant is associated with the following publications: (PMID: 24312913, 26187060, 23161852, 16403807, 25823446, 28486781, 30350268, 15235020, 20103620, 11320250, 22713736, 12732733, 21725363, 23633455, 25085752, 25777348, 25814778, 18159056, 19241424, 27272900, 28202063, 28364669, 29446198, 30209399, 33087888, 31131967, 24389207, 20104584, 8944023)

CHEO Genetics Diagnostic Laboratory, Children's Hospital of Eastern Ontario
Classification: Pathogenic for Breast and/or ovarian cancer. Last evaluated: 2022-05-17. Review status: criteria provided, single submitter. Criteria: ACMG Guidelines, 2015. Collection method: clinical testing. Allele origin: germline. Not counted in ClinVar's aggregate classification.

Institute for Clinical Genetics, University Hospital TU Dresden, University Hospital TU Dresden
Classification: Pathogenic. Last evaluated: 2021-11-03. Review status: criteria provided, single submitter. Criteria: ACMG Guidelines, 2015. Collection method: clinical testing. Allele origin: germline. Not counted in ClinVar's aggregate classification.

GeneKor MSA
Classification: Pathogenic. Last evaluated: 2020-01-01. Review status: criteria provided, single submitter. Criteria: ACMG Guidelines, 2015. Collection method: clinical testing. Allele origin: germline. Not counted in ClinVar's aggregate classification.
Comment: This variant is a single amino acid change from Cysteine to Phenylalanine at amino acid residue 44 of the BRCA1 protein. The Cysteine residue is highly conserved among species and is located in a functional domain of the protein and a region known to interact with multiple proteins. There is a large physiochemical difference between Cysteine acid and Phenylalanine (Grantham Score 205). To our knowledge, this variant is not present in population databases (rs80357446). This variant is also known as c.250G>T in the literature and it was shown to disrupt normal protein function by a yeast two-hybrid E3 Ub-ligase activity assay, a homology directed recombination assay, a BARD1 binding assay and a centrosome amplification assay (PMID: 20103620, 21725363). In addition, several individuals with personal and/or family history consistent with Hereditary Breast and Ovarian Cancer syndrome were found to carry this variant (PMID: 22713736). Algorithms developed to predict the effect of missense changes on protein structure and function suggest that this variant may be damaging to the protein. The mutation database Clinvar contains entries for this variant (Variation ID: 54200).

Fulgent Genetics
Classification: Pathogenic for Familial cancer of breast; Breast-ovarian cancer, familial, susceptibility to, 1; Pancreatic cancer, susceptibility to, 4; Fanconi anemia, complementation group S. Last evaluated: 2018-10-31. Review status: criteria provided, single submitter. Criteria: ACMG Guidelines, 2015. Collection method: clinical testing. Allele origin: unknown. Not counted in ClinVar's aggregate classification.

Women's Health and Genetics/Laboratory Corporation of America, LabCorp
Classification: Pathogenic for Hereditary breast and ovarian cancer syndrome. Last evaluated: 2018-03-07. Review status: criteria provided, single submitter. Criteria: LabCorp Variant Classification Summary - May 2015. Collection method: clinical testing. Allele origin: germline. Not counted in ClinVar's aggregate classification.
Comment: Variant summary: BRCA1 c.131G>T (p.Cys44Phe) results in a non-conservative amino acid change located in the RING binding domain of the encoded protein sequence. Five of five in-silico tools predict a damaging effect of the variant on protein function. The variant was absent in 245760 control chromosomes (gnomAD). The variant, c.131G>T, has been reported in the literature in multiple individuals affected with Hereditary Breast and Ovarian Cancer (Alsop_2012, Jalkh_2012, El Saghir_2015, Christie_2017, etc). These data indicate that the variant is very likely to be associated with disease. Multiple functional studies found that the variant significantly impacts proper BRCA1 protein function (Kais_2012, Morris_2006,Ransburgh_2010, Towler_2013, and Thouvenot_2016). Multiple ClinVar submissions from clinical diagnostic laboratories (evaluation after 2014) cite the variant as "likely pathogenic/pathogenic." Based on the evidence outlined above, the variant was classified as pathogenic.

Department of Pathology and Laboratory Medicine, Sinai Health System
Classification: Pathogenic for Familial cancer of breast; Breast-ovarian cancer, familial, susceptibility to, 1; Fanconi anemia, complementation group S. Last evaluated: 2016-08-30. Review status: criteria provided, single submitter. Criteria: ACMG Guidelines, 2015. Collection method: clinical testing. Allele origin: germline. Not counted in ClinVar's aggregate classification.

Molecular Genetics Laboratory, University of Michigan
Classification: Pathogenic for Breast-ovarian cancer, familial, susceptibility to, 1. Last evaluated: 2016-04-21. Review status: criteria provided, single submitter. Criteria: ACMG Guidelines, 2015. Collection method: clinical testing. Allele origin: germline. Affected: yes. Not counted in ClinVar's aggregate classification.